The following is an entry in ClinVar:

ClinVar aggregate classification (germline): Pathogenic (1 of 4 stars; one submission).

Conditions:
Legius syndrome. Identifiers: Orphanet 137605, MedGen C1969623, MONDO:0012669, OMIM 611431. Disease mechanism: loss of function.

Submission:

Labcorp Genetics (formerly Invitae), Labcorp
Classification: Pathogenic for Legius syndrome. Last evaluated: 2023-11-13. Review status: criteria provided, single submitter. Criteria: Invitae Variant Classification Sherloc (09022015). Collection method: clinical testing. Allele origin: germline.
Comment: This sequence change creates a premature translational stop signal (p.Gln353*) in the SPRED1 gene. While this is not anticipated to result in nonsense mediated decay, it is expected to disrupt the last 92 amino acid(s) of the SPRED1 protein. This variant is not present in population databases (gnomAD no frequency). This variant has not been reported in the literature in individuals affected with SPRED1-related conditions. This variant disrupts a region of the SPRED1 protein in which other variant(s) (p.Cys418Alafs*6) have been determined to be pathogenic (PMID: 19920235; Invitae). This suggests that this is a clinically significant region of the protein, and that variants that disrupt it are likely to be disease-causing. For these reasons, this variant has been classified as Pathogenic.

Literature cited by the submitters: PubMed 19920235.

NM_152594.3(SPRED1):c.1043_1044insCAGGGGAAAATGT (p.Cys352_Gln353insTer)

Gene: SPRED1 (sprouty related EVH1 domain containing 1; plus strand). Cytogenetic location: 15q14.
Variant type: Insertion.
Coding change: c.1043_1044insCAGGGGAAAATGT on transcript NM_152594.3 (MANE Select); coding-DNA positions 1043 to 1044, CAGGGGAAAATGT inserted.
Protein change: p.Cys352_Gln353insTer.
Molecular consequence: frameshift variant.
Genome position: GRCh38 VCF-style: chr15-38351364-A-AGAAAATGTCAGGG. GRCh37 (hg19) VCF-style: chr15-38643565-A-AGAAAATGTCAGGG.
Identifiers: ClinVar variation 2695400 (VCV002695400.3), dbSNP rs2542743630, ClinGen allele CA2697554335.
Genomic context (GRCh38, chr15:38,351,364, plus strand): 5'-AAGAAAAGAGGATGGTGAACGTTCTCGCTGCGTATACTGCCAGGAAAGGTTTAATCATGA[A>AGAAAATGTCAGGG]GAAAATGTTAGGGGAAAATGTCAGGATGCTCCAGACCCTATTAAAAGATGCATATATCAA-3'